The following is an entry in ClinVar:

ClinVar aggregate classification (germline): Uncertain significance (1 of 4 stars; one submission).

gnomAD v4.1: 1 of 1,614,000 alleles (0.000062%); highest among the groups gnomAD compares: Non-Finnish European, 0.000085%; no homozygotes.

Submission:

Labcorp Genetics (formerly Invitae), Labcorp
Classification: Uncertain significance. Last evaluated: 2022-01-27. Review status: criteria provided, single submitter. Criteria: Invitae Variant Classification Sherloc (09022015). Collection method: clinical testing. Allele origin: germline.
Comment: This sequence change replaces threonine, which is neutral and polar, with serine, which is neutral and polar, at codon 1507 of the FN1 protein (p.Thr1507Ser). This variant is not present in population databases (gnomAD no frequency). This variant has not been reported in the literature in individuals affected with FN1-related conditions. Algorithms developed to predict the effect of missense changes on protein structure and function are either unavailable or do not agree on the potential impact of this missense change (SIFT: "Not Available"; PolyPhen-2: "Benign"; Align-GVGD: "Not Available"). In summary, the available evidence is currently insufficient to determine the role of this variant in disease. Therefore, it has been classified as a Variant of Uncertain Significance.

NM_212482.4(FN1):c.4520C>G (p.Thr1507Ser)

Gene: FN1 (fibronectin 1; minus strand). Cytogenetic location: 2q35.
Variant type: single nucleotide variant.
Coding change: c.4520C>G on transcript NM_212482.4 (MANE Select); coding-DNA position 4520, C replaced by G.
Protein change: p.Thr1507Ser; replaces threonine 1507 with serine.
Molecular consequence: missense variant.
Genome position (GRCh38, 1-based): chr2:215,386,781, G>C on the plus strand (C>G on the coding strand, the complement: FN1 is on the minus strand). VCF-style: chr2-215386781-G-C. GRCh37 (hg19) VCF-style: chr2-216251504-G-C.
Other names: c.4520C>G, p.Thr1507Ser (NM_001306129.2, NM_001306130.2, NM_001365517.2 and 3 more transcripts); c.4247C>G, p.Thr1416Ser (NM_001306131.2, NM_001306132.2, NM_001365518.2 and 7 more transcripts); short protein forms T1416S, T1507S.
Identifiers: ClinVar variation 1978719 (VCV001978719.4), dbSNP rs1276858220, ClinGen allele CA350481388.
Genomic context (GRCh38, chr2:215,386,781, plus strand): 5'-TCCTCTCTGCCATTAAGAGCAACGATGCTGACCACATACTCTGTGCCTGGAGTGAGGTTG[G>C]TGAGGGTGATGGAATTCCGAGAGTGGGGCACCCGATCTTCTCGAGGTCTCCCACTGAAGT-3'
Protein context (NP_997647.2, residues 1497-1517): VPHSRNSITL[Thr1507Ser]NLTPGTEYVV